The following is an entry in ClinVar:

NM_000094.4(COL7A1):c.2223_2226dup (p.Leu743fs)

Gene: COL7A1 (collagen type VII alpha 1 chain; minus strand). Cytogenetic location: 3p21.31.
Variant type: Microsatellite.
Coding change: c.2223_2226dup on transcript NM_000094.4 (MANE Select); coding-DNA positions 2223 to 2226, 4 bases duplicated (TGGA; older notation c.2223_2226dupTGGA).
Protein change: p.Leu743fs; shifts the reading frame from leucine 743.
Molecular consequence: frameshift variant.
Genome position (GRCh38, 1-based): chr3:48,589,415-48,589,418, TCCA duplicated on the plus strand (TGGA on the coding strand, the reverse complement: COL7A1 is on the minus strand); duplicating any 4 consecutive bases within chr3:48,589,415-48,589,422 gives the same sequence; the c. name uses the placement nearest the transcript's 3' end. VCF-style (leftmost placement, unchanged base first): chr3-48589414-G-GTCCA. GRCh37 (hg19) VCF-style: chr3-48626847-G-GTCCA.
Other names: c.2223_2226dupTGGA (NM_000094.3); short protein forms L743fs.
Identifiers: ClinVar variation 372331 (VCV000372331.2), dbSNP rs1057517720, ClinGen allele CA16042453.

ClinVar aggregate classification (germline): Pathogenic (1 of 4 stars; one submission).

Submission:

GeneDx
Classification: Pathogenic. Last evaluated: 2015-04-07. Review status: criteria provided, single submitter. Criteria: GeneDx Variant Classification (06012015). Collection method: clinical testing. Allele origin: germline. Affected: yes.
Comment: The c.2223_2226dupTGGA pathogenic variant in the COL7A1 gene has been reported previously, as c.2226insTGGA, in association with recessive DEB (Abu Sa'ad et al., 2006). The duplication causes a frameshift starting with codon Leucine 743, changes this amino acid to a Tryptophan residue and creates a premature Stop codon at position seven of the new reading frame, denoted p.Leu743TrpfsX7. This variant is predicted to cause loss of normal protein function either through protein truncation or nonsense-mediated mRNA decay. We interpret c.2223_2226dupTGGA to be a pathogenic variant.